The following is an entry in ClinVar:

ClinVar aggregate classification (germline): Uncertain significance (1 of 4 stars; one submission).

gnomAD v4.1: 9 of 1,614,152 alleles (0.00056%); highest among the groups gnomAD compares: South Asian, 0.0066%; no homozygotes.

Submission:

Labcorp Genetics (formerly Invitae), Labcorp
Classification: Uncertain significance. Last evaluated: 2025-12-14. Review status: criteria provided, single submitter. Criteria: Invitae Variant Classification Sherloc (09022015). Collection method: clinical testing. Allele origin: germline.
Comment: This sequence change replaces tyrosine, which is neutral and polar, with histidine, which is basic and polar, at codon 1707 of the ALPK3 protein (p.Tyr1707His). This variant is present in population databases (rs760745513, gnomAD 0.003%). This variant has not been reported in the literature in individuals affected with ALPK3-related conditions. Invitae Evidence Modeling of protein sequence and biophysical properties (such as structural, functional, and spatial information, amino acid conservation, physicochemical variation, residue mobility, and thermodynamic stability) has been performed for this missense variant. However, the output from this modeling did not meet the statistical confidence thresholds required to predict the impact of this variant on ALPK3 protein function. In summary, the available evidence is currently insufficient to determine the role of this variant in disease. Therefore, it has been classified as a Variant of Uncertain Significance.

NM_020778.5(ALPK3):c.4513T>C (p.Tyr1505His)

Gene: ALPK3 (alpha kinase 3; plus strand). Cytogenetic location: 15q25.3.
Variant type: single nucleotide variant.
Coding change: c.4513T>C on transcript NM_020778.5 (MANE Select); coding-DNA position 4513, T replaced by C.
Protein change: p.Tyr1505His; replaces tyrosine 1505 with histidine.
Molecular consequence: missense variant.
Genome position (GRCh38, 1-based): chr15:84,864,455, T>C. VCF-style: chr15-84864455-T-C. GRCh37 (hg19) VCF-style: chr15-85407686-T-C.
Other names: short protein forms Y1505H.
Identifiers: ClinVar variation 4806115 (VCV004806115.1).
Genomic context (GRCh38, chr15:84,864,455, plus strand): 5'-TCTCTGGGCCATACTTCCTGCTTACTGCAGGGTGAAACTATGTTTAGGATCATCCCACTG[T>C]ATCTGATCTACCGGCCTGCAAACAATATCCCATATGCTACCCTGGAGGAAGACCTGGGCA-3'
Protein context (NP_065829.4, residues 1495-1515): FGEVPEIIPL[Tyr1505His]LIYRPANNIP